The following is an entry in ClinVar:

NM_001498.4(GCLC):c.57C>G (p.Ala19=)

Gene: GCLC (glutamate-cysteine ligase catalytic subunit; minus strand). Cytogenetic location: 6p12.1.
Variant type: single nucleotide variant.
Coding change: c.57C>G on transcript NM_001498.4 (MANE Select); coding-DNA position 57, C replaced by G.
Protein change: p.Ala19=; no amino-acid change (alanine 19 retained).
Molecular consequence: synonymous variant.
Genome position (GRCh38, 1-based): chr6:53,544,589, G>C on the plus strand (C>G on the coding strand, the complement: GCLC is on the minus strand). VCF-style: chr6-53544589-G-C. GRCh37 (hg19) VCF-style: chr6-53409387-G-C.
Other names: p.Ala19=; c.57C>G, p.Ala19= (NM_001197115.2).
Identifiers: ClinVar variation 2692516 (VCV002692516.4), dbSNP rs368320861, ClinGen allele CA3860456.

ClinVar aggregate classification (germline): Conflicting classifications of pathogenicity. Review status: criteria provided, conflicting classifications (1 of 4 stars). 3 submissions from 3 submitters: Uncertain significance (1); Likely benign (2). Last evaluated 2025-05-13.

Allele frequency attached by ClinVar (database versions not stated): gnomAD 0.00009; TOPMed 0.00014; ESP Exome Variant Server 0.00023.
gnomAD v4.1: 282 of 1,605,256 alleles (0.018%); highest among the groups gnomAD compares: Non-Finnish European, 0.022%; no homozygotes.

Submissions (3):

Mayo Clinic Laboratories, Mayo Clinic
Classification: Likely benign. Last evaluated: 2025-05-13. Review status: criteria provided, single submitter. Criteria: ACMG Guidelines, 2015. Collection method: clinical testing. Allele origin: germline. Observed: 1 variant allele.
Comment: BP4, BP7

Labcorp Genetics (formerly Invitae), Labcorp
Classification: Likely benign. Last evaluated: 2024-07-20. Review status: criteria provided, single submitter. Criteria: Invitae Variant Classification Sherloc (09022015). Collection method: clinical testing. Allele origin: germline.

Greenwood Genetic Center Diagnostic Laboratories, Greenwood Genetic Center
Classification: Uncertain significance. Last evaluated: 2023-12-20. Review status: criteria provided, single submitter. Criteria: ACMG Guidelines, 2015. Collection method: clinical testing. Allele origin: germline. Affected: yes.
Comment: BP7